The following is an entry in ClinVar:

NM_058216.3(RAD51C):c.294C>G (p.Gly98=)

Gene: RAD51C (RAD51 paralog C; plus strand). Cytogenetic location: 17q22.
Variant type: single nucleotide variant.
Coding change: c.294C>G on transcript NM_058216.3 (MANE Select); coding-DNA position 294, C replaced by G.
Protein change: p.Gly98=; no amino-acid change (glycine 98 retained).
Molecular consequence: synonymous variant. On other transcripts: non-coding transcript variant (2).
Genome position (GRCh38, 1-based): chr17:58,695,079, C>G. VCF-style: chr17-58695079-C-G. GRCh37 (hg19) VCF-style: chr17-56772440-C-G.
Other names: c.294C>G, p.Gly98= (NM_002876.4, NM_058217.1).
Identifiers: ClinVar variation 1798014 (VCV001798014.3), dbSNP rs2143723524, ClinGen allele CA501074657.

ClinVar aggregate classification (germline): Benign/Likely benign. Review status: criteria provided, multiple submitters, no conflicts (2 of 4 stars). 2 submissions from 2 submitters: Benign (1); Likely benign (1). Last evaluated 2025-02-14.

Conditions:
Hereditary cancer-predisposing syndrome. Also called: Neoplastic Syndromes, Hereditary; Tumor predisposition; Hereditary Cancer Syndrome; Hereditary neoplastic syndrome. Identifiers: Orphanet 140162, MedGen C0027672, MeSH D009386, MONDO:0015356.
Breast-ovarian cancer, familial, susceptibility to, 3. Also called: RAD51C-Related Breast/Ovarian Cancer. Identifiers: Orphanet 145, MedGen C3150659, MONDO:0013253, OMIM 613399.

Submissions (2):

Myriad Genetics, Inc.
Classification: Benign for Breast-ovarian cancer, familial, susceptibility to, 3. Last evaluated: 2025-02-14. Review status: criteria provided, single submitter. Criteria: Myriad Autosomal Dominant, Autosomal Recessive and X-Linked Classification Criteria (2023). Collection method: clinical testing. Allele origin: unknown.
Comment: This variant is considered benign. This variant is a silent/synonymous amino acid change and it is not expected to impact splicing.

Ambry Genetics
Classification: Likely benign for Hereditary cancer-predisposing syndrome. Last evaluated: 2020-06-03. Review status: criteria provided, single submitter. Criteria: Ambry Variant Classification Scheme 2023. Collection method: clinical testing. Allele origin: germline.